The following is an entry in ClinVar:

NC_000023.10:g.(?_22094506)_(22292386_?)del

Genes: CBLL2 (Cbl proto-oncogene like 2; plus strand), PHEX (phosphate regulating endopeptidase X-linked; plus strand). Cytogenetic location: Xp22.11.
Variant type: Deletion.
Identifiers: ClinVar variation 831597 (VCV000831597.1).

ClinVar aggregate classification (germline): Pathogenic (1 of 4 stars; one submission).

Submission:

Labcorp Genetics (formerly Invitae), Labcorp
Classification: Pathogenic. Last evaluated: 2019-06-24. Review status: criteria provided, single submitter. Criteria: Invitae Variant Classification Sherloc (09022015). Collection method: clinical testing. Allele origin: germline.
Comment: This variant is a gross deletion of the genomic region encompassing exons 4-22 of the PHEX gene. The 5' boundary is likely confined to intron 3. The 3' end of this event is unknown as it extends through the termination codon beyond the assayed region for this gene and may encompass additional genes. While this deletion is not anticipated to result in nonsense mediated decay, it is expected to create a truncated protein product or disrupt mRNA translation. Sub-genic deletion of exons 16-22 has been determined to be pathogenic (PMID: 21902834, 22695891, 29505567). Therefore, deletions that fully encompass that region are also expected to be pathogenic. For these reasons, this variant has been classified as Pathogenic.

Literature cited by the submitters: PubMed 22695891; PubMed 29505567; PubMed 21902834.